The following is an entry in ClinVar:

ClinVar aggregate classification (germline): Pathogenic (1 of 4 stars; one submission).

Conditions:
Angelman syndrome (AS). Also called: HAPPY PUPPET SYNDROME. Identifiers: Orphanet 72, MedGen C0162635, MONDO:0007113, OMIM 105830. Disease mechanism: loss of function. Inheritance: AS is caused by disruption of maternally imprinted UBE3A located within the 15q11.2-q13 Angelman syndrome/Prader-Willi syndrome (AS/PWS) region., imprinting disorder.

Submission:

Labcorp Genetics (formerly Invitae), Labcorp
Classification: Pathogenic for Angelman syndrome. Last evaluated: 2024-01-27. Review status: criteria provided, single submitter. Criteria: Invitae Variant Classification Sherloc (09022015). Collection method: clinical testing. Allele origin: unknown.
Comment: A gross deletion of the genomic region encompassing the full coding sequence of the UBE3A gene has been identified. Loss-of-function variants in UBE3A are known to be pathogenic (PMID: 25212744). The boundaries of this event are unknown as they extend beyond the assayed region for this gene and therefore may encompass additional genes. Isolated whole-gene deletions of UBE3A have not been reported in the literature. However, larger copy number events that include this gene have been reported (PMID: 12210318, 18821858, 22190369, 25099823). For these reasons, this variant has been classified as Pathogenic.

Literature cited by the submitters: PubMed 25212744; PubMed 12210318; PubMed 18821858; PubMed 22190369; PubMed 25099823.

NC_000015.9:g.(?_25584284)_(25650609_?)del

Gene: UBE3A (ubiquitin protein ligase E3A; minus strand). Cytogenetic location: 15q11.2.
Variant type: Deletion.
Identifiers: ClinVar variation 3243748 (VCV003243748.1).